The following is an entry in ClinVar:

ClinVar aggregate classification (germline): Uncertain significance. Review status: criteria provided, multiple submitters, no conflicts (2 of 4 stars). 7 submissions from 5 submitters: Uncertain significance (6). 1 of the submissions does not count toward it. Last evaluated 2024-07-29.

Conditions:
Crigler-Najjar syndrome. Identifiers: Orphanet 205, MedGen C5551003, MONDO:0009044.
Gilbert syndrome. Also called: HYPERBILIRUBINEMIA, GILBERT TYPE; HYPERBILIRUBINEMIA I; HYPERBILIRUBINEMIA, ARIAS TYPE; Gilbert's syndrome; Gilbert Disease. Identifiers: MedGen C0017551, MONDO:0007745, OMIM 143500.
Lucey-Driscoll syndrome (HBLRTFN). Also called: Transient familial neonatal hyperbilirubinemia. Identifiers: Orphanet 2312, MedGen C0270210, MONDO:0009383, OMIM 237900.
UGT1A9-related disorder. Also called: UGT1A9-related condition.

Allele frequency attached by ClinVar (database versions not stated): ESP Exome Variant Server 0.00008; ExAC 0.00009; TOPMed 0.00014; 1000 Genomes Project 0.00020; 1000 Genomes Project 30x 0.00031.
gnomAD v4.1: 204 of 1,614,264 alleles (0.013%); highest among the groups gnomAD compares: East Asian, 0.042%; no homozygotes.

Submissions (7):

Blueprint Genetics
Classification: Uncertain significance. Last evaluated: 2024-07-29. Review status: criteria provided, single submitter. Criteria: ACMG Guidelines, 2015. Collection method: clinical testing. Allele origin: germline.

Revvity Omics, Revvity
Classification: Uncertain significance. Last evaluated: 2024-03-08. Review status: criteria provided, single submitter. Criteria: ACMG Guidelines, 2015. Collection method: clinical testing. Allele origin: germline.

Eurofins Ntd Llc (ga)
Classification: Uncertain significance. Last evaluated: 2018-03-23. Review status: criteria provided, single submitter. Criteria: EGL ClinVar v180209 classification definitions. Collection method: clinical testing. Allele origin: germline. Observed: 1 variant allele, 1 heterozygote.

Illumina Laboratory Services, Illumina
Classification: Uncertain significance for Crigler-Najjar syndrome. Last evaluated: 2018-01-12. Review status: criteria provided, single submitter. Criteria: ICSL Variant Classification Criteria 13 December 2019. Collection method: clinical testing. Allele origin: germline.

Illumina Laboratory Services, Illumina
Classification: Uncertain significance for Gilbert syndrome. Last evaluated: 2018-01-12. Review status: criteria provided, single submitter. Criteria: ICSL Variant Classification Criteria 13 December 2019. Collection method: clinical testing. Allele origin: germline.

Illumina Laboratory Services, Illumina
Classification: Uncertain significance for Lucey-Driscoll syndrome. Last evaluated: 2018-01-12. Review status: criteria provided, single submitter. Criteria: ICSL Variant Classification Criteria 13 December 2019. Collection method: clinical testing. Allele origin: germline.

PreventionGenetics, part of Exact Sciences
Classification: Uncertain significance for UGT1A9-related condition. Last evaluated: 2023-12-21. Review status: no assertion criteria provided. Collection method: clinical testing. Allele origin: germline. Not counted in ClinVar's aggregate classification.
Comment: The UGT1A9 c.1313T>C variant is predicted to result in the amino acid substitution p.Met438Thr. To our knowledge, this variant has not been reported in the literature. This variant is reported in 0.075% of alleles in individuals of East Asian descent in gnomAD. At this time, the clinical significance of this variant is uncertain due to the absence of conclusive functional and genetic evidence.

NM_000463.3(UGT1A1):c.1322T>C (p.Met441Thr)

Genes: UGT1A (UDP glucuronosyltransferase family 1 member A complex locus; plus strand), UGT1A1 (UDP glucuronosyltransferase family 1 member A1; plus strand), UGT1A10 (UDP glucuronosyltransferase family 1 member A10; plus strand), UGT1A3 (UDP glucuronosyltransferase family 1 member A3; plus strand), UGT1A4 (UDP glucuronosyltransferase family 1 member A4; plus strand) and 5 more. Cytogenetic location: 2q37.1.
Variant type: single nucleotide variant.
Coding change: c.1322T>C on transcript NM_000463.3 (MANE Select); coding-DNA position 1322, T replaced by C.
Protein change: p.Met441Thr; replaces methionine 441 with threonine.
Molecular consequence: missense variant.
Genome position (GRCh38, 1-based): chr2:233,772,279, T>C. VCF-style: chr2-233772279-T-C. GRCh37 (hg19) VCF-style: chr2-234680925-T-C.
Other names: c.1313T>C, p.Met438Thr (NM_019075.4, NM_019076.5, NM_019077.3 and 1 more transcripts); c.1319T>C, p.Met440Thr (NM_001072.4); c.518T>C, p.Met173Thr (NM_205862.3); c.1325T>C, p.Met442Thr (NM_019078.2, NM_007120.3, NM_019093.4); short protein forms M441T, M440T, M173T, M438T, M442T.
Identifiers: ClinVar variation 335082 (VCV000335082.14), dbSNP rs202172337, ClinGen allele CA2180091.